The following is an entry in ClinVar:

ClinVar aggregate classification (germline): Uncertain significance. Review status: criteria provided, multiple submitters, no conflicts (2 of 4 stars). 3 submissions from 3 submitters: Uncertain significance (3). Last evaluated 2025-05-20.

Conditions:
Hereditary cancer-predisposing syndrome. Also called: Hereditary neoplastic syndrome; Tumor predisposition; Neoplastic Syndromes, Hereditary; Hereditary Cancer Syndrome. Identifiers: Orphanet 140162, MedGen C0027672, MeSH D009386, MONDO:0015356.
Tuberous sclerosis 1 (TSC1). Identifiers: Orphanet 805, MedGen C1854465, MONDO:0008612, OMIM 191100.
Tuberous sclerosis syndrome (TSC). Also called: Tuberous Sclerosis Complex; Tuberous sclerosis. Identifiers: Orphanet 805, MedGen C0041341, MONDO:0001734.

Allele frequency attached by ClinVar (database versions not stated): gnomAD exomes below 0.00001.
gnomAD v4.1: 2 of 1,614,216 alleles (0.00012%); highest among the groups gnomAD compares: Non-Finnish European, 0.00017%; no homozygotes.

Submissions (3):

Color Diagnostics, LLC DBA Color Health
Classification: Uncertain significance for Tuberous sclerosis syndrome. Last evaluated: 2025-05-20. Review status: criteria provided, single submitter. Criteria: ACMG Guidelines, 2015. Collection method: clinical testing. Allele origin: germline.
Comment: This missense variant replaces alanine with glycine at codon 1092 of the TSC1 protein. Computational prediction suggests that this variant may not impact protein structure and function. To our knowledge, functional studies have not been reported for this variant. This variant has not been reported in individuals affected with TSC1-related disorders in the literature. This variant has not been identified in the general population by the Genome Aggregation Database (gnomAD). The available evidence is insufficient to determine the role of this variant in disease conclusively. Therefore, this variant is classified as a Variant of Uncertain Significance.

Ambry Genetics
Classification: Uncertain significance for Hereditary cancer-predisposing syndrome. Last evaluated: 2024-07-12. Review status: criteria provided, single submitter. Criteria: Ambry Variant Classification Scheme 2023. Collection method: clinical testing. Allele origin: germline.
Comment: The p.A1092G variant (also known as c.3275C>G), located in coding exon 21 of the TSC1 gene, results from a C to G substitution at nucleotide position 3275. The alanine at codon 1092 is replaced by glycine, an amino acid with similar properties. This amino acid position is well conserved in available vertebrate species. In addition, the in silico prediction for this alteration is inconclusive. Since supporting evidence is limited at this time, the clinical significance of this alteration remains unclear.

Labcorp Genetics (formerly Invitae), Labcorp
Classification: Uncertain significance for Tuberous sclerosis 1. Last evaluated: 2024-05-15. Review status: criteria provided, single submitter. Criteria: Invitae Variant Classification Sherloc (09022015). Collection method: clinical testing. Allele origin: germline.
Comment: This sequence change replaces alanine, which is neutral and non-polar, with glycine, which is neutral and non-polar, at codon 1092 of the TSC1 protein (p.Ala1092Gly). This variant is not present in population databases (gnomAD no frequency). This variant has not been reported in the literature in individuals affected with TSC1-related conditions. ClinVar contains an entry for this variant (Variation ID: 854967). Advanced modeling of protein sequence and biophysical properties (such as structural, functional, and spatial information, amino acid conservation, physicochemical variation, residue mobility, and thermodynamic stability) performed at Invitae indicates that this missense variant is not expected to disrupt TSC1 protein function with a negative predictive value of 95%. In summary, the available evidence is currently insufficient to determine the role of this variant in disease. Therefore, it has been classified as a Variant of Uncertain Significance.

NM_000368.5(TSC1):c.3275C>G (p.Ala1092Gly)

Gene: TSC1 (TSC complex subunit 1; minus strand). Cytogenetic location: 9q34.13.
Variant type: single nucleotide variant.
Coding change: c.3275C>G on transcript NM_000368.5 (MANE Select); coding-DNA position 3275, C replaced by G.
Protein change: p.Ala1092Gly; replaces alanine 1092 with glycine.
Molecular consequence: missense variant.
Genome position (GRCh38, 1-based): chr9:132,896,455, G>C on the plus strand (C>G on the coding strand, the complement: TSC1 is on the minus strand). VCF-style: chr9-132896455-G-C. GRCh37 (hg19) VCF-style: chr9-135771842-G-C.
Other names: c.3272C>G, p.Ala1091Gly (NM_001162426.2); c.3122C>G, p.Ala1041Gly (NM_001162427.2); c.2912C>G, p.Ala971Gly (NM_001362177.2); short protein forms A971G, A1041G, A1091G, A1092G.
Identifiers: ClinVar variation 854967 (VCV000854967.13), dbSNP rs1845051123, ClinGen allele CA375366758.